The following is an entry in ClinVar:

NM_001042750.2(STAG2):c.2536G>A (p.Gly846Ser)

Gene: STAG2 (STAG2 cohesin complex component; plus strand). Cytogenetic location: Xq25.
Variant type: single nucleotide variant.
Coding change: c.2536G>A on transcript NM_001042750.2 (MANE Select); coding-DNA position 2536, G replaced by A.
Protein change: p.Gly846Ser; replaces glycine 846 with serine.
Molecular consequence: missense variant.
Genome position (GRCh38, 1-based): chrX:124,076,334, G>A. VCF-style: chrX-124076334-G-A. GRCh37 (hg19) VCF-style: chrX-123210184-G-A.
Other names: c.2536G>A, p.Gly846Ser (NM_001042749.2, NM_001042751.2, NM_001282418.2 and 13 more transcripts); short protein forms G846S.
Identifiers: ClinVar variation 1723709 (VCV001723709.2), dbSNP rs1208998954, ClinGen allele CA414277840.
Genomic context (GRCh38, chrX:124,076,334, plus strand): 5'-AAAAATACATGGTTGAAATAAAATACAAGATGCTTAATGTTTGGGACTTTTTCTCCAGAT[G>A]GTCAGCAAGAGGATGAAGCCAGTAAAATTGAAGCTCTGCACAAGAGAAGAAATTTACTTG-3'
Protein context (NP_001036215.1, residues 836-856): EQDDDNNSAD[Gly846Ser]QQEDEASKIE

ClinVar aggregate classification (germline): Uncertain significance (1 of 4 stars; one submission).

Allele frequency attached by ClinVar (database versions not stated): gnomAD exomes below 0.00001.
gnomAD v4.1: 2 of 1,207,545 alleles (0.00017%); highest among the groups gnomAD compares: Admixed American, 0.0022%; no homozygotes.

Submission:

GeneDx
Classification: Uncertain significance. Last evaluated: 2022-05-13. Review status: criteria provided, single submitter. Criteria: GeneDx Variant Classification Process June 2021. Collection method: clinical testing. Allele origin: germline. Affected: yes.
Comment: Not observed at significant frequency in large population cohorts (gnomAD); In silico analysis supports a deleterious effect on splicing; In silico analysis supports that this missense variant does not alter protein structure/function; Has not been previously published as pathogenic or benign to our knowledge